The following is an entry in ClinVar:

NM_000535.7(PMS2):c.695_705+41del

Gene: PMS2 (PMS1 homolog 2, mismatch repair system component; minus strand). Cytogenetic location: 7p22.1.
Variant type: Deletion.
Coding change: c.695_705+41del on transcript NM_000535.7 (MANE Select); coding-DNA position 695 through 41 bases into the intron after coding-DNA position 705, 52 bases deleted.
Molecular consequence: splice donor variant. On other transcripts: intron variant (9).
Genome position (GRCh38, 1-based): chr7:5,999,067-5,999,118, 52 bases deleted. GRCh37 (hg19): chr7:6,038,699-6,038,750.
Other names: c.377_387+41del (NM_001322008.2, NM_001406902.1, NM_001406883.1 and 4 more transcripts); c.386_396+41del (NM_001406881.1, NM_001406879.1, NM_001322015.2 and 6 more transcripts); c.290_300+41del (NM_001406895.1, NM_001322010.2, NM_001322004.2 and 19 more transcripts); c.132+3335_132+3386del (NM_001406911.1); c.192+98_192+149del (NM_001406904.1, NM_001406905.1); c.133-1695_133-1644del (NM_001322013.2, NM_001406909.1); c.-239_-229+41del (NM_001322012.2, NM_001322011.2); c.359_369+41del (NM_001406885.1); and 6 more.
Identifiers: ClinVar variation 3637514 (VCV003637514.2).

ClinVar aggregate classification (germline): Likely pathogenic (1 of 4 stars; one submission).

Conditions:
Hereditary nonpolyposis colorectal neoplasms. Identifiers: MedGen C0009405, MeSH D003123.

Submission:

Labcorp Genetics (formerly Invitae), Labcorp
Classification: Likely pathogenic for Hereditary nonpolyposis colorectal neoplasms. Last evaluated: 2024-01-31. Review status: criteria provided, single submitter. Criteria: Invitae Variant Classification Sherloc (09022015). Collection method: clinical testing. Allele origin: germline.
Comment: This variant results in the deletion of part of exon 6 (c.695_705+41del) of the PMS2 gene. It is expected to disrupt RNA splicing. Variants that disrupt the donor or acceptor splice site typically lead to a loss of protein function (PMID: 16199547), and loss-of-function variants in PMS2 are known to be pathogenic (PMID: 21376568, 24362816). This variant is not present in population databases (gnomAD no frequency). This variant has not been reported in the literature in individuals affected with PMS2-related conditions. In summary, the currently available evidence indicates that the variant is pathogenic, but additional data are needed to prove that conclusively. Therefore, this variant has been classified as Likely Pathogenic.

Literature cited by the submitters: PubMed 16199547; PubMed 21376568; PubMed 24362816.